The following is an entry in ClinVar:

NM_181523.3(PIK3R1):c.398T>C (p.Ile133Thr)

Gene: PIK3R1 (phosphoinositide-3-kinase regulatory subunit 1; plus strand). Cytogenetic location: 5q13.1.
Variant type: single nucleotide variant.
Coding change: c.398T>C on transcript NM_181523.3 (MANE Select); coding-DNA position 398, T replaced by C.
Protein change: p.Ile133Thr; replaces isoleucine 133 with threonine.
Molecular consequence: missense variant.
Genome position (GRCh38, 1-based): chr5:68,273,453, T>C. VCF-style: chr5-68273453-T-C. GRCh37 (hg19) VCF-style: chr5-67569281-T-C.
Other names: short protein forms I133T.
Identifiers: ClinVar variation 2117402 (VCV002117402.4), dbSNP rs1198012101, ClinGen allele CA359872677.

ClinVar aggregate classification (germline): Uncertain significance (1 of 4 stars; one submission).

Conditions:
Agammaglobulinemia 7, autosomal recessive (AGM7). Also called: AGAMMAGLOBULINEMIA, AUTOSOMAL RECESSIVE, DUE TO PIK3R1 DEFECT. Identifiers: MedGen C3554689, MONDO:0014083, OMIM 615214.
SHORT syndrome. Also called: PIK3R1-Related SHORT Syndrome; LIPODYSTROPHY, PARTIAL, WITH RIEGER ANOMALY AND SHORT STATURE; SHORT STATURE, HYPEREXTENSIBILITY, HERNIA, OCULAR DEPRESSION, RIEGER ANOMALY, AND TEETHING DELAY. Identifiers: Orphanet 3163, MedGen C0878684, MONDO:0010026, OMIM 269880.
Immunodeficiency 36 with lymphoproliferation. Also called: Activated PI3K Delta Syndrome Type 2 (APDS2); Immunodeficiency 36; ACTIVATED PI3K-DELTA SYNDROME 2. Identifiers: Orphanet 397596, Orphanet 693681, MedGen C4014934, MONDO:0014453, OMIM 616005.

Allele frequency attached by ClinVar (database versions not stated): TOPMed 0.00001.
gnomAD v4.1: 45 of 1,614,102 alleles (0.0028%); highest among the groups gnomAD compares: Non-Finnish European, 0.0036%; no homozygotes.

Submission:

Labcorp Genetics (formerly Invitae), Labcorp
Classification: Uncertain significance for SHORT syndrome; Immunodeficiency 36 with lymphoproliferation; Agammaglobulinemia 7, autosomal recessive. Last evaluated: 2025-10-10. Review status: criteria provided, single submitter. Criteria: Invitae Variant Classification Sherloc (09022015). Collection method: clinical testing. Allele origin: germline.
Comment: This sequence change replaces isoleucine, which is neutral and non-polar, with threonine, which is neutral and polar, at codon 133 of the PIK3R1 protein (p.Ile133Thr). This variant is present in population databases (no rsID available, gnomAD 0.006%). This variant has not been reported in the literature in individuals affected with PIK3R1-related conditions. ClinVar contains an entry for this variant (Variation ID: 2117402). An algorithm developed to predict the effect of missense changes on protein structure and function (PolyPhen-2) suggests that this variant is likely to be tolerated. In summary, the available evidence is currently insufficient to determine the role of this variant in disease. Therefore, it has been classified as a Variant of Uncertain Significance.